The following is an entry in ClinVar:

NM_032977.4(CASP10):c.11A>G (p.Gln4Arg)

Gene: CASP10 (caspase 10; plus strand). Cytogenetic location: 2q33.1.
Variant type: single nucleotide variant.
Coding change: c.11A>G on transcript NM_032977.4 (MANE Select); coding-DNA position 11, A replaced by G.
Protein change: p.Gln4Arg; replaces glutamine 4 with arginine.
Molecular consequence: missense variant.
Genome position (GRCh38, 1-based): chr2:201,185,788, A>G. VCF-style: chr2-201185788-A-G. GRCh37 (hg19) VCF-style: chr2-202050511-A-G.
Other names: c.11A>G, p.Gln4Arg (NM_001206524.2, NM_001206542.2, NM_001230.5 and 3 more transcripts); short protein forms Q4R.
Identifiers: ClinVar variation 2572663 (VCV002572663.3), dbSNP rs2469359457, ClinGen allele CA350277376.
Genomic context (GRCh38, chr2:201,185,788, plus strand): 5'-CCTCACTCTCTAACTCCCTGCCCCACCTCTCTGTCCCTTTCAGGCTGGCCATGAAATCTC[A>G]AGGTCAACATTGGTATTCCAGTTCAGATAAAAACTGTAAAGTGAGCTTTCGTGAGAAGCT-3'
Protein context (NP_116759.2, residues 1-14): MKS[Gln4Arg]GQHWYSSSDK

ClinVar aggregate classification (germline): Uncertain significance. Review status: criteria provided, multiple submitters, no conflicts (2 of 4 stars). 2 submissions from 2 submitters: Uncertain significance (2). Last evaluated 2024-08-06.

Conditions:
Autoimmune lymphoproliferative syndrome type 2A (ALPS2A). Also called: AUTOIMMUNE LYMPHOPROLIFERATIVE SYNDROME, TYPE IIA; CASP10-Related Autoimmune Lymphoproliferative Syndrome; Autoimmune lymphoproliferative syndrome type 2. Identifiers: Orphanet 3261, MedGen C1858968, MONDO:0011383, OMIM 603909.
Diffuse midline glioma, H3 K27-altered. Identifiers: MedGen C5669877, MONDO:1060171.

Allele frequency attached by ClinVar (database versions not stated): gnomAD exomes below 0.00001.
gnomAD v4.1: 1 of 1,612,200 alleles (0.000062%); highest among the groups gnomAD compares: Non-Finnish European, 0.000085%; no homozygotes.

Submissions (2):

Labcorp Genetics (formerly Invitae), Labcorp
Classification: Uncertain significance for Autoimmune lymphoproliferative syndrome type 2A. Last evaluated: 2024-08-06. Review status: criteria provided, single submitter. Criteria: Invitae Variant Classification Sherloc (09022015). Collection method: clinical testing. Allele origin: germline.
Comment: This sequence change replaces glutamine, which is neutral and polar, with arginine, which is basic and polar, at codon 4 of the CASP10 protein (p.Gln4Arg). This variant is not present in population databases (gnomAD no frequency). This variant has not been reported in the literature in individuals affected with CASP10-related conditions. ClinVar contains an entry for this variant (Variation ID: 2572663). An algorithm developed to predict the effect of missense changes on protein structure and function outputs the following: PolyPhen-2: "Benign". The arginine amino acid residue is found in multiple mammalian species, which suggests that this missense change does not adversely affect protein function. In summary, the available evidence is currently insufficient to determine the role of this variant in disease. Therefore, it has been classified as a Variant of Uncertain Significance.

Laboratory of Medical Genetics Unit, Bambino Gesù Children's Hospital
Classification: Uncertain significance for Diffuse midline glioma, H3 K27-altered. Last evaluated: 2021-05-19. Review status: criteria provided, single submitter. Criteria: ACMG Guidelines, 2015. Collection method: research. Allele origin: germline. Affected: yes. Observed: 1 heterozygote.